The following is an entry in ClinVar:

NM_001130987.2(DYSF):c.861C>A (p.His287Gln)

Gene: DYSF (dysferlin; plus strand). Cytogenetic location: 2p13.2.
Variant type: single nucleotide variant.
Coding change: c.861C>A on transcript NM_001130987.2 (MANE Select); coding-DNA position 861, C replaced by A.
Protein change: p.His287Gln; replaces histidine 287 with glutamine.
Molecular consequence: missense variant.
Genome position (GRCh38, 1-based): chr2:71,515,724, C>A. VCF-style: chr2-71515724-C-A. GRCh37 (hg19) VCF-style: chr2-71742854-C-A.
Other names: c.768C>A, p.His256Gln (NM_001130455.2, NM_001130983.2, NM_001130984.2 and 1 more transcripts); c.765C>A, p.His255Gln (NM_001130976.2, NM_001130977.2, NM_001130978.2 and 1 more transcripts); c.858C>A, p.His286Gln (NM_001130979.2, NM_001130980.2, NM_001130981.2); c.861C>A, p.His287Gln (NM_001130982.2, NM_001130985.2); short protein forms H256Q, H286Q, H287Q, H255Q.
Identifiers: ClinVar variation 1376096 (VCV001376096.3), dbSNP rs2152734543, ClinGen allele CA347208846.
Genomic context (GRCh38, chr2:71,515,724, plus strand): 5'-GAACATCAAGCCTGTGGTCAAGGTTACCGCTGCAGGGCAGACCAAGCGGACGCGGATCCA[C>A]AAGGGAAACAGCCCACTCTTCAATGAGGTGGGAGACATGGGGCATGAGGGCCAGAACCTT-3'
Protein context (NP_001124459.1, residues 277-297): AAGQTKRTRI[His287Gln]KGNSPLFNET

ClinVar aggregate classification (germline): Uncertain significance (1 of 4 stars; one submission).

Conditions:
Neuromuscular disease caused by qualitative or quantitative defects of dysferlin. Also called: Qualitative or quantitative defects of dysferlin; Dysferlinopathy. Identifiers: Orphanet 207073, MedGen C2931687, MONDO:0016145.

Submission:

Labcorp Genetics (formerly Invitae), Labcorp
Classification: Uncertain significance for Neuromuscular disease caused by qualitative or quantitative defects of dysferlin. Last evaluated: 2021-08-19. Review status: criteria provided, single submitter. Criteria: Invitae Variant Classification Sherloc (09022015). Collection method: clinical testing. Allele origin: germline.
Comment: This sequence change replaces histidine with glutamine at codon 255 of the DYSF protein (p.His255Gln). The histidine residue is weakly conserved and there is a small physicochemical difference between histidine and glutamine. This variant is not present in population databases (ExAC no frequency). This variant has not been reported in the literature in individuals affected with DYSF-related conditions. Advanced modeling of protein sequence and biophysical properties (such as structural, functional, and spatial information, amino acid conservation, physicochemical variation, residue mobility, and thermodynamic stability) performed at Invitae indicates that this missense variant is not expected to disrupt DYSF protein function. In summary, the available evidence is currently insufficient to determine the role of this variant in disease. Therefore, it has been classified as a Variant of Uncertain Significance.